The following is an entry in ClinVar:

ClinVar aggregate classification (germline): Benign. Review status: criteria provided, single submitter (1 of 4 stars). 2 submissions from 2 submitters: Benign (1). 1 of the submissions does not count toward it. Last evaluated 2019-12-31.

Conditions:
ATG5-related disorder. Also called: ATG5-related condition.

Allele frequency attached by ClinVar (database versions not stated): gnomAD exomes 0.00030 and 0.00075; ExAC 0.00097; ESP Exome Variant Server 0.00277; gnomAD 0.00295 and 0.00306; TOPMed 0.00316; 1000 Genomes Project 30x 0.00500; 1000 Genomes Project 0.00519.

Submissions (2):

Labcorp Genetics (formerly Invitae), Labcorp
Classification: Benign. Last evaluated: 2019-12-31. Review status: criteria provided, single submitter. Criteria: Invitae Variant Classification Sherloc (09022015). Collection method: clinical testing. Allele origin: germline.

PreventionGenetics, part of Exact Sciences
Classification: Benign for ATG5-related condition. Last evaluated: 2020-05-06. Review status: no assertion criteria provided. Collection method: clinical testing. Allele origin: germline. Not counted in ClinVar's aggregate classification.
Comment: This variant is classified as benign based on ACMG/AMP sequence variant interpretation guidelines (Richards et al. 2015 PMID: 25741868, with internal and published modifications).

NM_004849.4(ATG5):c.385A>G (p.Met129Val)

Gene: ATG5 (autophagy related 5; minus strand). Cytogenetic location: 6q21.
Variant type: single nucleotide variant.
Coding change: c.385A>G on transcript NM_004849.4 (MANE Select); coding-DNA position 385, A replaced by G.
Protein change: p.Met129Val; replaces methionine 129 with valine.
Molecular consequence: missense variant. On other transcripts: non-coding transcript variant (2), intron variant (1).
Genome position (GRCh38, 1-based): chr6:106,279,754, T>C on the plus strand (A>G on the coding strand, the complement: ATG5 is on the minus strand). VCF-style: chr6-106279754-T-C. GRCh37 (hg19) VCF-style: chr6-106727629-T-C.
Other names: c.385A>G, p.Met129Val (NM_001286106.2, NM_001286108.2); c.151A>G, p.Met51Val (NM_001286107.2); c.109-31510A>G (NM_001286111.2); short protein forms M51V, M129V.
Identifiers: ClinVar variation 730897 (VCV000730897.6), dbSNP rs34793250, ClinGen allele CA3942656.
Genomic context (GRCh38, chr6:106,279,754, plus strand): 5'-CTTTTTTCTGCATTTCATTGATTACTTGACTTTTATGTTTTAAAGCATCAGCTTCTTTCA[T>C]ACATGACATAAAATGAGCTTCAATTGCATCCTTAGATGGACAGTGCAGAAGGTCTTTTTC-3'
Protein context (NP_004840.1, residues 119-139): DAIEAHFMSC[Met129Val]KEADALKHKS